The following is an entry in ClinVar:

ClinVar aggregate classification (germline): Uncertain significance (1 of 4 stars; one submission).

Submission:

Greenwood Genetic Center Diagnostic Laboratories, Greenwood Genetic Center
Classification: Uncertain significance. Last evaluated: 2026-06-01. Review status: criteria provided, single submitter. Criteria: ACMG Guidelines, 2015. Collection method: clinical testing. Allele origin: germline.
Comment: Gene of Uncertain Significance

NM_182699.4(DDX53):c.1211T>C (p.Val404Ala)

Genes: DDX53 (DEAD-box helicase 53; plus strand), PTCHD1-AS (PTCHD1 and PHEX antisense RNA; minus strand). Cytogenetic location: Xp22.11.
Variant type: single nucleotide variant.
Coding change: c.1211T>C on transcript NM_182699.4 (MANE Select); coding-DNA position 1211, T replaced by C.
Protein change: p.Val404Ala; replaces valine 404 with alanine.
Molecular consequence: missense variant.
Genome position (GRCh38, 1-based): chrX:23,001,268, T>C. VCF-style: chrX-23001268-T-C. GRCh37 (hg19) VCF-style: chrX-23019385-T-C.
Other names: short protein forms V404A.
Identifiers: ClinVar variation 4891115 (VCV004891115.1).